The following is an entry in ClinVar:

NM_001164508.2(NEB):c.8685+3G>A

Gene: NEB (nebulin; minus strand). Cytogenetic location: 2q23.3.
Variant type: single nucleotide variant.
Coding change: c.8685+3G>A on transcript NM_001164508.2 (MANE Select); 3 bases into the intron after coding-DNA position 8685, G replaced by A.
Molecular consequence: intron variant.
Genome position (GRCh38, 1-based): chr2:151,640,352, C>T on the plus strand (G>A on the coding strand, the complement: NEB is on the minus strand). VCF-style: chr2-151640352-C-T. GRCh37 (hg19) VCF-style: chr2-152496866-C-T.
Other names: c.8685+3G>A (NM_004543.5, NM_001164507.2, NM_001271208.2).
Identifiers: ClinVar variation 2164645 (VCV002164645.2), dbSNP rs944140286, ClinGen allele CA57664729.

ClinVar aggregate classification (germline): Uncertain significance. Review status: criteria provided, multiple submitters, no conflicts (2 of 4 stars). 2 submissions from 2 submitters: Uncertain significance (2). Last evaluated 2025-02-13.

Conditions:
Nemaline myopathy 2 (NEM2). Also called: Nemaline myopathy 2, autosomal recessive. Identifiers: MedGen C1850569, MONDO:0009725, OMIM 256030.

Allele frequency attached by ClinVar (database versions not stated): gnomAD exomes below 0.00001; TOPMed 0.00001.
gnomAD v4.1: 6 of 1,612,844 alleles (0.00037%); highest among the groups gnomAD compares: Non-Finnish European, 0.00051%; no homozygotes.

Submissions (2):

Women's Health and Genetics/Laboratory Corporation of America, LabCorp
Classification: Uncertain significance. Last evaluated: 2025-02-13. Review status: criteria provided, single submitter. Criteria: LabCorp Variant Classification Summary - May 2015. Collection method: clinical testing. Allele origin: germline.

Labcorp Genetics (formerly Invitae), Labcorp
Classification: Uncertain significance for Nemaline myopathy 2. Last evaluated: 2022-06-18. Review status: criteria provided, single submitter. Criteria: Invitae Variant Classification Sherloc (09022015). Collection method: clinical testing. Allele origin: germline.
Comment: This sequence change falls in intron 61 of the NEB gene. It does not directly change the encoded amino acid sequence of the NEB protein. It affects a nucleotide within the consensus splice site. This variant is present in population databases (no rsID available, gnomAD 0.0009%). This variant has not been reported in the literature in individuals affected with NEB-related conditions. Variants that disrupt the consensus splice site are a relatively common cause of aberrant splicing (PMID: 17576681, 9536098). In summary, the available evidence is currently insufficient to determine the role of this variant in disease. Therefore, it has been classified as a Variant of Uncertain Significance.

Literature cited by the submitters: PubMed 17576681 (cited by Labcorp Genetics (formerly Invitae), Labcorp); PubMed 9536098 (cited by Labcorp Genetics (formerly Invitae), Labcorp).